The following is an entry in ClinVar:

ClinVar aggregate classification (germline): Uncertain significance. Review status: criteria provided, multiple submitters, no conflicts (2 of 4 stars). 3 submissions from 3 submitters: Uncertain significance (3). Last evaluated 2025-07-27.

Conditions:
AGRN-related disorder. Also called: AGRN-related condition.
Congenital myasthenic syndrome 8. Also called: Myasthenic syndrome, congenital, 8, with pre- and postsynaptic defects; MYASTHENIC SYNDROME, CONGENITAL, DUE TO AGRIN DEFICIENCY. Identifiers: Orphanet 590, MedGen C3808739, MONDO:0014052, OMIM 615120.

Allele frequency attached by ClinVar (database versions not stated): 1000 Genomes Project 30x 0.00047; ESP Exome Variant Server 0.00038; TOPMed 0.00049; 1000 Genomes Project 0.00040.
gnomAD v4.1: 1,757 of 1,613,006 alleles (0.11%); highest among the groups gnomAD compares: Non-Finnish European, 0.14%; 3 homozygotes.

Submissions (3):

GeneDx
Classification: Uncertain significance. Last evaluated: 2025-07-27. Review status: criteria provided, single submitter. Criteria: GeneDx Variant Classification Process June 2021. Collection method: clinical testing. Allele origin: germline.
Comment: In silico analysis supports that this missense variant has a deleterious effect on protein structure/function; Has not been previously published as pathogenic or benign to our knowledge

PreventionGenetics, part of Exact Sciences
Classification: Uncertain significance for AGRN-related condition. Last evaluated: 2023-02-17. Review status: criteria provided, single submitter. Criteria: ACMG Guidelines, 2015. Collection method: clinical testing. Allele origin: germline.
Comment: The AGRN c.2105C>T variant is predicted to result in the amino acid substitution p.Pro702Leu. To our knowledge, this variant has not been reported in the literature. This variant is reported in 0.099% of alleles in individuals of European (Non-Finnish) descent in gnomAD. Although we suspect that this variant may be benign, at this time, the clinical significance of this variant is uncertain due to the absence of conclusive functional and genetic evidence.

Labcorp Genetics (formerly Invitae), Labcorp
Classification: Uncertain significance for Congenital myasthenic syndrome 8. Last evaluated: 2022-10-24. Review status: criteria provided, single submitter. Criteria: Invitae Variant Classification Sherloc (09022015). Collection method: clinical testing. Allele origin: germline.
Comment: This sequence change replaces proline, which is neutral and non-polar, with leucine, which is neutral and non-polar, at codon 702 of the AGRN protein (p.Pro702Leu). This variant is present in population databases (rs149814455, gnomAD 0.1%), and has an allele count higher than expected for a pathogenic variant. This variant has not been reported in the literature in individuals affected with AGRN-related conditions. ClinVar contains an entry for this variant (Variation ID: 576273). Algorithms developed to predict the effect of missense changes on protein structure and function are either unavailable or do not agree on the potential impact of this missense change (SIFT: "Tolerated"; PolyPhen-2: "Probably Damaging"; Align-GVGD: "Class C0"). In summary, the available evidence is currently insufficient to determine the role of this variant in disease. Therefore, it has been classified as a Variant of Uncertain Significance.

NM_198576.4(AGRN):c.2105C>T (p.Pro702Leu)

Gene: AGRN (agrin; plus strand). Cytogenetic location: 1p36.33.
Variant type: single nucleotide variant.
Coding change: c.2105C>T on transcript NM_198576.4 (MANE Select); coding-DNA position 2105, C replaced by T.
Protein change: p.Pro702Leu; replaces proline 702 with leucine.
Molecular consequence: missense variant.
Genome position (GRCh38, 1-based): chr1:1,044,214, C>T. VCF-style: chr1-1044214-C-T. GRCh37 (hg19) VCF-style: chr1-979594-C-T.
Other names: c.2105C>T, p.Pro702Leu (NM_001305275.2); c.1790C>T, p.Pro597Leu (NM_001364727.2); short protein forms P702L, P597L.
Identifiers: ClinVar variation 576273 (VCV000576273.10), dbSNP rs149814455, ClinGen allele CA508468.